The following is an entry in ClinVar:

ClinVar aggregate classification (germline): Uncertain significance (1 of 4 stars; one submission).

gnomAD v4.1: 16 of 1,614,084 alleles (0.00099%); highest among the groups gnomAD compares: Admixed American, 0.027%; 1 homozygote.

Submission:

CeGaT Center for Human Genetics Tuebingen
Classification: Uncertain significance. Last evaluated: 2026-06-01. Review status: criteria provided, single submitter. Criteria: CeGaT Center For Human Genetics Tuebingen Variant Classification Criteria Version 2. Collection method: clinical testing. Allele origin: germline. Affected: yes. Observed: 1 variant allele.
Comment: ASH1L: PP3

NM_018489.3(ASH1L):c.3818A>G (p.Lys1273Arg)

Gene: ASH1L (ASH1 like histone lysine methyltransferase; minus strand). Cytogenetic location: 1q22.
Variant type: single nucleotide variant.
Coding change: c.3818A>G on transcript NM_018489.3 (MANE Select); coding-DNA position 3818, A replaced by G.
Protein change: p.Lys1273Arg; replaces lysine 1273 with arginine.
Molecular consequence: missense variant.
Genome position (GRCh38, 1-based): chr1:155,479,052, T>C on the plus strand (A>G on the coding strand, the complement: ASH1L is on the minus strand). VCF-style: chr1-155479052-T-C. GRCh37 (hg19) VCF-style: chr1-155448843-T-C.
Other names: c.3818A>G, p.Lys1273Arg (NM_001366177.2); short protein forms K1273R.
Identifiers: ClinVar variation 4875305 (VCV004875305.2).